The following is an entry in ClinVar:

ClinVar aggregate classification (germline): Likely pathogenic (1 of 4 stars; one submission).

Conditions:
Sjögren-Larsson syndrome (SLS). Also called: FATTY ALCOHOL:NAD+ OXIDOREDUCTASE DEFICIENCY; FATTY ALDEHYDE DEHYDROGENASE DEFICIENCY; ICHTHYOSIS, SPASTIC NEUROLOGIC DISORDER, AND OLIGOPHRENIA; FALDH DEFICIENCY. Identifiers: Orphanet 816, MedGen C0037231, MONDO:0010031, OMIM 270200.

Submission:

Myriad Genetics, Inc.
Classification: Likely pathogenic for Sjögren-Larsson syndrome. Last evaluated: 2019-04-27. Review status: criteria provided, single submitter. Criteria: Myriad Women's Health Autosomal Recessive and X-Linked Classification Criteria (2019). Collection method: clinical testing. Allele origin: unknown.
Comment: NM_000382.2(ALDH3A2):c.652A>T(K218*) is expected to be pathogenic in the context of Sjogren-Larsson syndrome. This variant is predicted to lead to an abnormal or absent protein product due to the creation of a premature termination codon in ALDH3A2, a gene where loss-of-function variants are known to be pathogenic. Please note: this variant was assessed in the context of healthy population screening.

NM_000382.3(ALDH3A2):c.652A>T (p.Lys218Ter)

Gene: ALDH3A2 (aldehyde dehydrogenase 3 family member A2; plus strand). Cytogenetic location: 17p11.2.
Variant type: single nucleotide variant.
Coding change: c.652A>T on transcript NM_000382.3 (MANE Select); coding-DNA position 652, A replaced by T.
Protein change: p.Lys218Ter; replaces lysine 218 with a stop codon.
Molecular consequence: nonsense.
Genome position (GRCh38, 1-based): chr17:19,656,546, A>T. VCF-style: chr17-19656546-A-T. GRCh37 (hg19) VCF-style: chr17-19559859-A-T.
Other names: c.652A>T, p.Lys218Ter (NM_001031806.2, NM_001369136.1, NM_001369137.2 and 3 more transcripts); c.73A>T, p.Lys25Ter (NM_001369148.2); short protein forms K218*, K25*.
Identifiers: ClinVar variation 983810 (VCV000983810.3), dbSNP rs2544372582, ClinGen allele CA398706622.